The following is an entry in ClinVar:

ClinVar aggregate classification (germline): Conflicting classifications of pathogenicity. Review status: criteria provided, conflicting classifications (1 of 4 stars). 2 submissions from 2 submitters: Uncertain significance (1); Likely benign (1). Last evaluated 2026-02-24.

Allele frequency attached by ClinVar (database versions not stated): TOPMed 0.00001; gnomAD exomes 0.00003; ExAC 0.00014.
gnomAD v4.1: 47 of 1,613,908 alleles (0.0029%); highest among the groups gnomAD compares: Admixed American, 0.05%; 1 homozygote.

Submissions (2):

GeneDx
Classification: Uncertain significance. Last evaluated: 2026-02-24. Review status: criteria provided, single submitter. Criteria: GeneDx Variant Classification Process June 2021. Collection method: clinical testing. Allele origin: germline.
Comment: In silico analysis supports that this missense variant has a deleterious effect on protein structure/function; Has not been previously published as pathogenic or benign to our knowledge

Labcorp Genetics (formerly Invitae), Labcorp
Classification: Likely benign. Last evaluated: 2022-08-23. Review status: criteria provided, single submitter. Criteria: Invitae Variant Classification Sherloc (09022015). Collection method: clinical testing. Allele origin: germline.

NM_005886.3(KATNB1):c.208C>T (p.Arg70Cys)

Gene: KATNB1 (katanin regulatory subunit B1; plus strand). Cytogenetic location: 16q21.
Variant type: single nucleotide variant.
Coding change: c.208C>T on transcript NM_005886.3 (MANE Select); coding-DNA position 208, C replaced by T.
Protein change: p.Arg70Cys; replaces arginine 70 with cysteine.
Molecular consequence: missense variant.
Genome position (GRCh38, 1-based): chr16:57,744,430, C>T. VCF-style: chr16-57744430-C-T. GRCh37 (hg19) VCF-style: chr16-57778342-C-T.
Other names: c.208C>T (NM_005886.2); short protein forms R70C.
Identifiers: ClinVar variation 1986397 (VCV001986397.5), dbSNP rs782611537, ClinGen allele CA8080659.
Genomic context (GRCh38, chr16:57,744,430, plus strand): 5'-GAAGCTGCTGCTCTCTCTCCACAGAGCCTGACGGGCCACACATCCCCAGTGGAGAGCGTC[C>T]GCCTCAACACCCCCGAGGAGCTCATCGTGGCCGGCTCTCAGTCGGGCTCCATCCGTGTCT-3'
Protein context (NP_005877.2, residues 60-80): TGHTSPVESV[Arg70Cys]LNTPEELIVA